The following is an entry in ClinVar:

ClinVar aggregate classification (germline): Uncertain significance (1 of 4 stars; one submission).

Conditions:
Methylcobalamin deficiency type cblG (HMAG). Also called: HOMOCYSTINURIA-MEGALOBLASTIC ANEMIA, cblG COMPLEMENTATION TYPE; HOMOCYSTINURIA-MEGALOBLASTIC ANEMIA, cblG TYPE; HOMOCYSTINURIA-MEGALOBLASTIC ANEMIA DUE TO DEFECT IN COBALAMIN METABOLISM, cblG COMPLEMENTATION TYPE; Functional methionine synthase deficiency type cblG. Identifiers: Orphanet 2170, Orphanet 622, MedGen C1855128, MONDO:0009609, OMIM 250940.

Allele frequency attached by ClinVar (database versions not stated): gnomAD exomes below 0.00001.
gnomAD v4.1: 6 of 1,614,134 alleles (0.00037%); highest among the groups gnomAD compares: South Asian, 0.0011%; no homozygotes.

Submission:

Labcorp Genetics (formerly Invitae), Labcorp
Classification: Uncertain significance for Methylcobalamin deficiency type cblG. Last evaluated: 2021-01-19. Review status: criteria provided, single submitter. Criteria: Invitae Variant Classification Sherloc (09022015). Collection method: clinical testing. Allele origin: germline.
Comment: This sequence change replaces asparagine with serine at codon 470 of the MTR protein (p.Asn470Ser). The asparagine residue is highly conserved and there is a small physicochemical difference between asparagine and serine. This variant is not present in population databases (ExAC no frequency). This variant has not been reported in the literature in individuals with MTR-related conditions. Algorithms developed to predict the effect of missense changes on protein structure and function (SIFT, PolyPhen-2, Align-GVGD) all suggest that this variant is likely to be disruptive, but these predictions have not been confirmed by published functional studies and their clinical significance is uncertain. In summary, the available evidence is currently insufficient to determine the role of this variant in disease. Therefore, it has been classified as a Variant of Uncertain Significance.

NM_000254.3(MTR):c.1409A>G (p.Asn470Ser)

Gene: MTR (5-methyltetrahydrofolate-homocysteine methyltransferase; plus strand). Cytogenetic location: 1q43.
Variant type: single nucleotide variant.
Coding change: c.1409A>G on transcript NM_000254.3 (MANE Select); coding-DNA position 1409, A replaced by G.
Protein change: p.Asn470Ser; replaces asparagine 470 with serine.
Molecular consequence: missense variant.
Genome position (GRCh38, 1-based): chr1:236,838,493, A>G. VCF-style: chr1-236838493-A-G. GRCh37 (hg19) VCF-style: chr1-237001793-A-G.
Other names: c.1409A>G, p.Asn470Ser (NM_001291939.1); c.188A>G, p.Asn63Ser (NM_001291940.2); short protein forms N470S, N63S.
Identifiers: ClinVar variation 1503871 (VCV001503871.8), dbSNP rs2103166386, ClinGen allele CA345395067.